The following is an entry in ClinVar:

ClinVar aggregate classification (germline): Uncertain significance (1 of 4 stars; one submission).

Conditions:
Periodic fever-infantile enterocolitis-autoinflammatory syndrome. Also called: Autoinflammation with infantile enterocolitis. Identifiers: Orphanet 436166, MedGen C4015067, MONDO:0014472, OMIM 616050.
Familial cold autoinflammatory syndrome 4 (FCAS4). Identifiers: Orphanet 47045, Orphanet 576349, MedGen C4015276, MONDO:0014498, OMIM 616115.

Submission:

Labcorp Genetics (formerly Invitae), Labcorp
Classification: Uncertain significance for Periodic fever-infantile enterocolitis-autoinflammatory syndrome; Familial cold autoinflammatory syndrome 4. Last evaluated: 2022-11-08. Review status: criteria provided, single submitter. Criteria: Invitae Variant Classification Sherloc (09022015). Collection method: clinical testing. Allele origin: germline.
Comment: This sequence change falls in intron 7 of the NLRC4 gene. It does not directly change the encoded amino acid sequence of the NLRC4 protein. It affects a nucleotide within the consensus splice site. This variant is not present in population databases (gnomAD no frequency). This variant has not been reported in the literature in individuals affected with NLRC4-related conditions. ClinVar contains an entry for this variant (Variation ID: 1522053). Variants that disrupt the consensus splice site are a relatively common cause of aberrant splicing (PMID: 17576681, 9536098). Algorithms developed to predict the effect of sequence changes on RNA splicing suggest that this variant is not likely to affect RNA splicing. In summary, the available evidence is currently insufficient to determine the role of this variant in disease. Therefore, it has been classified as a Variant of Uncertain Significance.

Literature cited by the submitters: PubMed 17576681; PubMed 9536098.

NM_001199138.2(NLRC4):c.2614+6A>G

Gene: NLRC4 (NLR family CARD domain containing 4; minus strand). Cytogenetic location: 2p22.3.
Variant type: single nucleotide variant.
Coding change: c.2614+6A>G on transcript NM_001199138.2 (MANE Select); 6 bases into the intron after coding-DNA position 2614, A replaced by G.
Molecular consequence: intron variant.
Genome position (GRCh38, 1-based): chr2:32,236,241, T>C on the plus strand (A>G on the coding strand, the complement: NLRC4 is on the minus strand). VCF-style: chr2-32236241-T-C. GRCh37 (hg19) VCF-style: chr2-32461310-T-C.
Other names: c.619+6A>G (NM_001302504.1); c.2614+6A>G (NM_021209.4, NM_001199139.1).
Identifiers: ClinVar variation 1522053 (VCV001522053.6), dbSNP rs2148934086, ClinGen allele CA2573134659.
Genomic context (GRCh38, chr2:32,236,241, plus strand): 5'-CTATGTATTTCGACTACCCAGTATACATATTCAAGTATCTAATTTTGGCTGAATTGTCAT[T>C]CTTACTCAGTTCATGAAGAGCTTCATTTCCATCTTTTTCCAGGTAATTTTCTGATAAATC-3'